The following is an entry in ClinVar:

ClinVar aggregate classification (germline): Uncertain significance (1 of 4 stars; one submission).

Conditions:
Inborn genetic diseases. Identifiers: MedGen C0950123, MeSH D030342.

Submission:

Ambry Genetics
Classification: Uncertain significance for Inborn genetic diseases. Last evaluated: 2025-04-06. Review status: criteria provided, single submitter. Criteria: Ambry Variant Classification Scheme 2023. Collection method: clinical testing. Allele origin: germline.
Comment: The p.L971V variant (also known as c.2911C>G), located in coding exon 29 of the RTEL1 gene, results from a C to G substitution at nucleotide position 2911. The leucine at codon 971 is replaced by valine, an amino acid with highly similar properties. This amino acid position is conserved. In addition, this alteration is predicted to be tolerated by in silico analysis. Based on the available evidence, the clinical significance of this variant remains unclear.

NM_001283009.2(RTEL1):c.2911C>G (p.Leu971Val)

Genes: RTEL1 (regulator of telomere elongation helicase 1; plus strand), RTEL1-TNFRSF6B (RTEL1-TNFRSF6B readthrough (NMD candidate); plus strand). Cytogenetic location: 20q13.33.
Variant type: single nucleotide variant.
Coding change: c.2911C>G on transcript NM_001283009.2 (MANE Select); coding-DNA position 2911, C replaced by G.
Protein change: p.Leu971Val; replaces leucine 971 with valine.
Molecular consequence: missense variant. On other transcripts: non-coding transcript variant (1).
Genome position (GRCh38, 1-based): chr20:63,693,202, C>G. VCF-style: chr20-63693202-C-G. GRCh37 (hg19) VCF-style: chr20-62324555-C-G.
Other names: c.2242C>G, p.Leu748Val (NM_001283010.1); c.2911C>G, p.Leu971Val (NM_016434.4); c.2983C>G, p.Leu995Val (NM_032957.5); short protein forms L748V, L995V, L971V.
Identifiers: ClinVar variation 3948311 (VCV003948311.1).